The following is an entry in ClinVar:

NM_000092.5(COL4A4):c.1057G>A (p.Gly353Arg)

Gene: COL4A4 (collagen type IV alpha 4 chain; minus strand). Cytogenetic location: 2q36.3.
Variant type: single nucleotide variant.
Coding change: c.1057G>A on transcript NM_000092.5 (MANE Select); coding-DNA position 1057, G replaced by A.
Protein change: p.Gly353Arg; replaces glycine 353 with arginine.
Molecular consequence: missense variant.
Genome position (GRCh38, 1-based): chr2:227,099,662, C>T on the plus strand (G>A on the coding strand, the complement: COL4A4 is on the minus strand). VCF-style: chr2-227099662-C-T. GRCh37 (hg19) VCF-style: chr2-227964378-C-T.
Other names: short protein forms G353R.
Identifiers: ClinVar variation 4800358 (VCV004800358.1).

ClinVar aggregate classification (germline): Uncertain significance (1 of 4 stars; one submission).

Submission:

Labcorp Genetics (formerly Invitae), Labcorp
Classification: Uncertain significance. Last evaluated: 2025-03-10. Review status: criteria provided, single submitter. Criteria: Invitae Variant Classification Sherloc (09022015). Collection method: clinical testing. Allele origin: germline.
Comment: This sequence change replaces glycine, which is neutral and non-polar, with arginine, which is basic and polar, at codon 353 of the COL4A4 protein (p.Gly353Arg). This variant is not present in population databases (gnomAD no frequency). This missense change has been observed in individual(s) with clinical features of COL4A4-related conditions (PMID: 28704582). Invitae Evidence Modeling of protein sequence and biophysical properties (such as structural, functional, and spatial information, amino acid conservation, physicochemical variation, residue mobility, and thermodynamic stability) indicates that this missense variant is not expected to disrupt COL4A4 protein function with a negative predictive value of 95%. In summary, the available evidence is currently insufficient to determine the role of this variant in disease. Therefore, it has been classified as a Variant of Uncertain Significance.

Literature cited by the submitters: PubMed 28704582.